The following is an entry in ClinVar:

NM_033427.3(CTTNBP2):c.4108A>G (p.Ile1370Val)

Gene: CTTNBP2 (cortactin binding protein 2; minus strand). Cytogenetic location: 7q31.31.
Variant type: single nucleotide variant.
Coding change: c.4108A>G on transcript NM_033427.3 (MANE Select); coding-DNA position 4108, A replaced by G.
Protein change: p.Ile1370Val; replaces isoleucine 1370 with valine.
Molecular consequence: missense variant.
Genome position (GRCh38, 1-based): chr7:117,725,205, T>C on the plus strand (A>G on the coding strand, the complement: CTTNBP2 is on the minus strand). VCF-style: chr7-117725205-T-C. GRCh37 (hg19) VCF-style: chr7-117365259-T-C.
Other names: c.4054A>G, p.Ile1352Val (NM_001363349.1); c.2011A>G, p.Ile671Val (NM_001363350.1, NM_001363351.1); short protein forms I1352V, I1370V, I671V.
Identifiers: ClinVar variation 2630369 (VCV002630369.1), dbSNP rs752342954, ClinGen allele CA4451979.
Genomic context (GRCh38, chr7:117,725,205, plus strand): 5'-GTCTTTTAGCAGTTGTCTGCCCAAAGCCAGGTTGTCTTTTCACAGAGGCTCTTGACAATA[T>C]TGCTTCTTGAACTCTGGGTGCGATGACGCCATTCCACAGCTTAGACATCCACCTAGCAGG-3'
Protein context (NP_219499.1, residues 1360-1380): GVIAPRVQEA[Ile1370Val]LSRASVKRQP

ClinVar aggregate classification (germline): Uncertain significance (1 of 4 stars; one submission).

Conditions:
CTTNBP2-related disorder. Also called: CTTNBP2-related condition.

Allele frequency attached by ClinVar (database versions not stated): gnomAD exomes below 0.00001; ExAC 0.00001.
gnomAD v4.1: 4 of 1,614,112 alleles (0.00025%); highest among the groups gnomAD compares: East Asian, 0.0022%; no homozygotes.

Submission:

PreventionGenetics, part of Exact Sciences
Classification: Uncertain significance for CTTNBP2-related condition. Last evaluated: 2023-01-26. Review status: criteria provided, single submitter. Criteria: ACMG Guidelines, 2015. Collection method: clinical testing. Allele origin: germline.
Comment: The CTTNBP2 c.4108A>G variant is predicted to result in the amino acid substitution p.Ile1370Val. To our knowledge, this variant has not been reported in the literature. This variant is reported in 0.0054% of alleles in individuals of East Asian descent in gnomAD. At this time, the clinical significance of this variant is uncertain due to the absence of conclusive functional and genetic evidence.